The following is an entry in ClinVar:

ClinVar aggregate classification (germline): Likely pathogenic (1 of 4 stars; one submission).

Submission:

Labcorp Genetics (formerly Invitae), Labcorp
Classification: Likely pathogenic. Last evaluated: 2023-09-23. Review status: criteria provided, single submitter. Criteria: Invitae Variant Classification Sherloc (09022015). Collection method: clinical testing. Allele origin: germline.
Comment: This sequence change replaces glycine, which is neutral and non-polar, with arginine, which is basic and polar, at codon 1266 of the COL4A1 protein (p.Gly1266Arg). This variant is not present in population databases (gnomAD no frequency). This missense change has been observed in individual(s) with COL4A1-related conditions (PMID: 22574627). An algorithm developed to predict the effect of missense changes on protein structure and function (PolyPhen-2) suggests that this variant is likely to be disruptive. This variant disrupts the p.Gly1266 amino acid residue in COL4A1. Other variant(s) that disrupt this residue have been observed in individuals with COL4A1-related conditions (PMID: 33990551), which suggests that this may be a clinically significant amino acid residue. In summary, the currently available evidence indicates that the variant is pathogenic, but additional data are needed to prove that conclusively. Therefore, this variant has been classified as Likely Pathogenic. This variant disrupts the triple helix domain of COL4A1. Glycine residues within the Gly-Xaa-Yaa repeats of the triple helix domain are required for the structure and stability of fibrillar collagens (PMID: 7695699, 8218237, 19344236). In COL4A1 variants affecting these glycine residues are significantly enriched in individuals with disease (PMID: 9016532, 17078022) compared to the general population (ExAC).

Literature cited by the submitters: PubMed 22574627; PubMed 33990551; PubMed 7695699; PubMed 8218237; PubMed 19344236; PubMed 9016532; PubMed 17078022.

NM_001845.6(COL4A1):c.3796G>C (p.Gly1266Arg)

Gene: COL4A1 (collagen type IV alpha 1 chain; minus strand). Cytogenetic location: 13q34.
Variant type: single nucleotide variant.
Coding change: c.3796G>C on transcript NM_001845.6 (MANE Select); coding-DNA position 3796, G replaced by C.
Protein change: p.Gly1266Arg; replaces glycine 1266 with arginine.
Molecular consequence: missense variant.
Genome position (GRCh38, 1-based): chr13:110,169,709, C>G on the plus strand (G>C on the coding strand, the complement: COL4A1 is on the minus strand). VCF-style: chr13-110169709-C-G. GRCh37 (hg19) VCF-style: chr13-110822056-C-G.
Other names: short protein forms G1266R.
Identifiers: ClinVar variation 2736059 (VCV002736059.3), dbSNP rs2501757760, ClinGen allele CA388661875.